The following is an entry in ClinVar:

ClinVar aggregate classification (germline): Uncertain significance. Review status: criteria provided, multiple submitters, no conflicts (2 of 4 stars). 2 submissions from 2 submitters: Uncertain significance (2). Last evaluated 2025-12-21.

Allele frequency attached by ClinVar (database versions not stated): ESP Exome Variant Server 0.00034; ExAC 0.00012; 1000 Genomes Project 0.00040; 1000 Genomes Project 30x 0.00047.
gnomAD v4.1: 146 of 1,612,448 alleles (0.0091%); highest among the groups gnomAD compares: African/African-American, 0.17%; no homozygotes.

Submissions (2):

Labcorp Genetics (formerly Invitae), Labcorp
Classification: Uncertain significance. Last evaluated: 2025-12-21. Review status: criteria provided, single submitter. Criteria: Invitae Variant Classification Sherloc (09022015). Collection method: clinical testing. Allele origin: germline.
Comment: This sequence change replaces glutamine, which is neutral and polar, with leucine, which is neutral and non-polar, at codon 239 of the SUCLG2 protein (p.Gln239Leu). This variant is present in population databases (rs143813883, gnomAD 0.2%), and has an allele count higher than expected for a pathogenic variant. This variant has not been reported in the literature in individuals affected with SUCLG2-related conditions. ClinVar contains an entry for this variant (Variation ID: 3171937). An algorithm developed to predict the effect of missense changes on protein structure and function (PolyPhen-2) suggests that this variant is likely to be disruptive. In summary, the available evidence is currently insufficient to determine the role of this variant in disease. Therefore, it has been classified as a Variant of Uncertain Significance.

Ambry Genetics
Classification: Uncertain significance. Last evaluated: 2023-12-26. Review status: criteria provided, single submitter. Criteria: Ambry Variant Classification Scheme 2023. Collection method: clinical testing. Allele origin: germline.

NM_003848.4(SUCLG2):c.716A>T (p.Gln239Leu)

Gene: SUCLG2 (succinate-CoA ligase GDP-forming subunit beta; minus strand). Cytogenetic location: 3p14.1.
Variant type: single nucleotide variant.
Coding change: c.716A>T on transcript NM_003848.4 (MANE Select); coding-DNA position 716, A replaced by T.
Protein change: p.Gln239Leu; replaces glutamine 239 with leucine.
Molecular consequence: missense variant.
Genome position (GRCh38, 1-based): chr3:67,508,848, T>A on the plus strand (A>T on the coding strand, the complement: SUCLG2 is on the minus strand). VCF-style: chr3-67508848-T-A. GRCh37 (hg19) VCF-style: chr3-67559272-T-A.
Other names: c.716A>T, p.Gln239Leu (NM_001177599.2); short protein forms Q239L.
Identifiers: ClinVar variation 3171937 (VCV003171937.3), dbSNP rs143813883, ClinGen allele CA2485913.